The following is an entry in ClinVar:

ClinVar aggregate classification (germline): Uncertain significance (1 of 4 stars; one submission).

gnomAD v4.1: 1 of 1,611,706 alleles (0.000062%); highest among the groups gnomAD compares: Non-Finnish European, 0.000085%; no homozygotes.

Submission:

Labcorp Genetics (formerly Invitae), Labcorp
Classification: Uncertain significance. Last evaluated: 2024-03-03. Review status: criteria provided, single submitter. Criteria: Invitae Variant Classification Sherloc (09022015). Collection method: clinical testing. Allele origin: germline.
Comment: This sequence change falls in intron 14 of the NEDD4L gene. It does not directly change the encoded amino acid sequence of the NEDD4L protein. It affects a nucleotide within the consensus splice site. This variant is not present in population databases (gnomAD no frequency). This variant has not been reported in the literature in individuals affected with NEDD4L-related conditions. Variants that disrupt the consensus splice site are a relatively common cause of aberrant splicing (PMID: 17576681, 9536098). Algorithms developed to predict the effect of sequence changes on RNA splicing suggest that this variant is not likely to affect RNA splicing. In summary, the available evidence is currently insufficient to determine the role of this variant in disease. Therefore, it has been classified as a Variant of Uncertain Significance.

Literature cited by the submitters: PubMed 17576681; PubMed 9536098.

NM_001144967.3(NEDD4L):c.1377+3G>A

Gene: NEDD4L (NEDD4 like E3 ubiquitin protein ligase; plus strand). Cytogenetic location: 18q21.31.
Variant type: single nucleotide variant.
Coding change: c.1377+3G>A on transcript NM_001144967.3 (MANE Select); 3 bases into the intron after coding-DNA position 1377, G replaced by A.
Molecular consequence: intron variant.
Genome position (GRCh38, 1-based): chr18:58,341,800, G>A. VCF-style: chr18-58341800-G-A. GRCh37 (hg19) VCF-style: chr18-56009032-G-A.
Other names: c.1317+3G>A (NM_015277.6); c.1185+3G>A (NM_001243960.2); c.1014+3G>A (NM_001144964.1, NM_001144965.2, NM_001144966.3); c.954+3G>A (NM_001144971.2, NM_001144970.3); c.1353+3G>A (NM_001144968.2); c.1293+3G>A (NM_001144969.2).
Identifiers: ClinVar variation 3644280 (VCV003644280.2).